The following is an entry in ClinVar:

NM_000532.5(PCCB):c.595C>T (p.Pro199Ser)

Gene: PCCB (propionyl-CoA carboxylase subunit beta; plus strand). Cytogenetic location: 3q22.3.
Variant type: single nucleotide variant.
Coding change: c.595C>T on transcript NM_000532.5 (MANE Select); coding-DNA position 595, C replaced by T.
Protein change: p.Pro199Ser; replaces proline 199 with serine.
Molecular consequence: missense variant.
Genome position (GRCh38, 1-based): chr3:136,283,888, C>T. VCF-style: chr3-136283888-C-T. GRCh37 (hg19) VCF-style: chr3-136002730-C-T.
Other names: p.Pro199Ser; c.655C>T, p.Pro219Ser (NM_001178014.2); short protein forms P199S, P219S.
Identifiers: ClinVar variation 343467 (VCV000343467.22), dbSNP rs371155999, ClinGen allele CA2631791.

ClinVar aggregate classification (germline): Conflicting classifications of pathogenicity. Review status: criteria provided, conflicting classifications (1 of 4 stars). 5 submissions from 5 submitters: Uncertain significance (2); Benign (1); Likely benign (1). 1 of the submissions does not count toward it. Last evaluated 2026-01-28.

Conditions:
PCCB-related disorder. Also called: PCCB-related condition.
Propionic acidemia (PROP). Also called: GLYCINEMIA, KETOTIC; HYPERGLYCINEMIA WITH KETOACIDOSIS AND LEUKOPENIA; KETOTIC HYPERGLYCINEMIA. Identifiers: Orphanet 35, MedGen C0268579, MONDO:0011628, OMIM 606054, HP:0003571.

Allele frequency attached by ClinVar (database versions not stated): gnomAD 0.00002 and 0.00029; TOPMed 0.00007; gnomAD exomes 0.00050 and 0.00103; ExAC 0.00102; 1000 Genomes Project 0.00140; 1000 Genomes Project 30x 0.00156.
gnomAD v4.1: 786 of 1,613,926 alleles (0.049%); highest among the groups gnomAD compares: South Asian, 0.74%; 8 homozygotes.

Submissions (5):

Labcorp Genetics (formerly Invitae), Labcorp
Classification: Benign for Propionic acidemia. Last evaluated: 2026-01-28. Review status: criteria provided, single submitter. Criteria: Invitae Variant Classification Sherloc (09022015). Collection method: clinical testing. Allele origin: germline.

Mayo Clinic Laboratories, Mayo Clinic
Classification: Uncertain significance. Last evaluated: 2025-09-06. Review status: criteria provided, single submitter. Criteria: ACMG Guidelines, 2015. Collection method: clinical testing. Allele origin: germline. Observed: 1 variant allele.
Comment: BS1, PP3_moderate

Blueprint Genetics
Classification: Likely benign. Last evaluated: 2024-11-25. Review status: criteria provided, single submitter. Criteria: ACMG Guidelines, 2015. Collection method: clinical testing. Allele origin: germline.

GeneDx
Classification: Uncertain significance. Last evaluated: 2018-10-24. Review status: criteria provided, single submitter. Criteria: GeneDx Variant Classification Process June 2021. Collection method: clinical testing. Allele origin: germline. Affected: yes.
Comment: Observed in apparent homozygous state in a patient in published literature with speech and language deficits and autism spectrum disorder (Prasad et al., 2018); In silico analysis, which includes protein predictors and evolutionary conservation, supports a deleterious effect; The majority of missense variants in this gene are considered pathogenic (Stenson et al., 2014); This variant is associated with the following publications: (PMID: 30367527, 29554876)

PreventionGenetics, part of Exact Sciences
Classification: Benign for PCCB-related condition. Last evaluated: 2019-11-05. Review status: no assertion criteria provided. Collection method: clinical testing. Allele origin: germline. Not counted in ClinVar's aggregate classification.
Comment: This variant is classified as benign based on ACMG/AMP sequence variant interpretation guidelines (Richards et al. 2015 PMID: 25741868, with internal and published modifications).

Literature cited by the submitters: PubMed 29554876 (cited by Mayo Clinic Laboratories, Mayo Clinic).